The following is an entry in ClinVar:

ClinVar aggregate classification (germline): Conflicting classifications of pathogenicity. Review status: criteria provided, conflicting classifications (1 of 4 stars). 4 submissions from 4 submitters: Uncertain significance (1); Likely benign (3). Last evaluated 2025-09-04.

Conditions:
JAG1-related disorder. Also called: JAG1-related condition; JAG1-related disorders.
Alagille syndrome due to a JAG1 point mutation. Also called: HEPATIC DUCTULAR HYPOPLASIA, SYNDROMATIC; Alagille Syndrome 1; JAG1-Related Alagille Syndrome. Identifiers: Orphanet 261619, Orphanet 52, MedGen C1956125, MONDO:0016862, OMIM 118450.
Cardiovascular phenotype. Identifiers: MedGen CN230736.

Allele frequency attached by ClinVar (database versions not stated): gnomAD exomes 0.00004 and 0.00002; TOPMed 0.00004; ESP Exome Variant Server 0.00008; gnomAD 0.00001; ExAC 0.00004.
gnomAD v4.1: 28 of 1,614,062 alleles (0.0017%); highest among the groups gnomAD compares: African/African-American, 0.004%; no homozygotes.

Submissions (4):

PreventionGenetics, part of Exact Sciences
Classification: Likely benign for JAG1-related condition. Last evaluated: 2025-09-04. Review status: criteria provided, single submitter. Criteria: ACMG Guidelines, 2015. Collection method: clinical testing. Allele origin: germline.
Comment: This variant is classified as likely benign based on ACMG/AMP sequence variant interpretation guidelines (Richards et al. 2015 PMID: 25741868, with internal and published modifications).

Labcorp Genetics (formerly Invitae), Labcorp
Classification: Likely benign for Alagille syndrome due to a JAG1 point mutation. Last evaluated: 2025-06-13. Review status: criteria provided, single submitter. Criteria: Invitae Variant Classification Sherloc (09022015). Collection method: clinical testing. Allele origin: germline.

Eurofins Ntd Llc (ga)
Classification: Uncertain significance. Last evaluated: 2018-06-27. Review status: criteria provided, single submitter. Criteria: EGL ClinVar v180209 classification definitions. Collection method: clinical testing. Allele origin: germline. Observed: 1 variant allele, 1 heterozygote.

Ambry Genetics
Classification: Likely benign for Cardiovascular phenotype. Last evaluated: 2017-01-20. Review status: criteria provided, single submitter. Criteria: Ambry Variant Classification Scheme 2023. Collection method: clinical testing. Allele origin: germline.

NM_000214.3(JAG1):c.1866G>A (p.Thr622=)

Gene: JAG1 (jagged canonical Notch ligand 1; minus strand). Cytogenetic location: 20p12.2.
Variant type: single nucleotide variant.
Coding change: c.1866G>A on transcript NM_000214.3 (MANE Select); coding-DNA position 1866, G replaced by A.
Protein change: p.Thr622=; no amino-acid change (threonine 622 retained).
Molecular consequence: synonymous variant.
Genome position (GRCh38, 1-based): chr20:10,646,958, C>T on the plus strand (G>A on the coding strand, the complement: JAG1 is on the minus strand). VCF-style: chr20-10646958-C-T. GRCh37 (hg19) VCF-style: chr20-10627606-C-T.
Other names: c.1866G>A, p.Thr622= (LRG_1191t1).
Identifiers: ClinVar variation 518619 (VCV000518619.13), dbSNP rs140624746, ClinGen allele CA9764736.